The following is an entry in ClinVar:

NM_002691.4(POLD1):c.2254G>A (p.Val752Met)

Gene: POLD1 (DNA polymerase delta 1, catalytic subunit; plus strand). Cytogenetic location: 19q13.33.
Variant type: single nucleotide variant.
Coding change: c.2254G>A on transcript NM_002691.4 (MANE Select); coding-DNA position 2254, G replaced by A.
Protein change: p.Val752Met; replaces valine 752 with methionine.
Molecular consequence: missense variant. On other transcripts: non-coding transcript variant (1).
Genome position (GRCh38, 1-based): chr19:50,413,745, G>A. VCF-style: chr19-50413745-G-A. GRCh37 (hg19) VCF-style: chr19-50917002-G-A.
Other names: c.2254G>A, p.Val752Met (NM_001256849.1); c.2332G>A, p.Val778Met (NM_001308632.1); short protein forms V778M, V752M.
Identifiers: ClinVar variation 2867041 (VCV002867041.3), dbSNP rs1207462965, ClinGen allele CA406983932.
Genomic context (GRCh38, chr19:50,413,745, plus strand): 5'-CAGTAGTTGACAGAAGGGACCCTGCTTCTCACATACACACATCCCCACCGCCCGCAGGTG[G>A]TGTATGGTGACACTGACTCCGTCATGTGCCGATTCGGCGTGTCCTCGGTGGCTGAGGCGA-3'
Protein context (NP_002682.2, residues 742-762): ENGYSTSAKV[Val752Met]YGDTDSVMCR

ClinVar aggregate classification (germline): Uncertain significance (1 of 4 stars; one submission).

Conditions:
POLD1-related polyposis and colorectal cancer syndrome (CRCS10). Also called: Colorectal cancer 10; COLORECTAL CANCER, SUSCEPTIBILITY TO, ON CHROMOSOME 19q; Colorectal cancer, susceptibility to, 10. Identifiers: Orphanet 220460, MedGen C2675481, MONDO:0012953, OMIM 612591.

Allele frequency attached by ClinVar (database versions not stated): gnomAD exomes below 0.00001.
gnomAD v4.1: 1 of 1,603,662 alleles (0.000062%); highest among the groups gnomAD compares: East Asian, 0.0022%; no homozygotes.

Submission:

Labcorp Genetics (formerly Invitae), Labcorp
Classification: Uncertain significance for POLD1-related polyposis and colorectal cancer syndrome. Last evaluated: 2023-07-08. Review status: criteria provided, single submitter. Criteria: Invitae Variant Classification Sherloc (09022015). Collection method: clinical testing. Allele origin: germline.
Comment: This variant is not present in population databases (gnomAD no frequency). This variant has not been reported in the literature in individuals affected with POLD1-related conditions. Advanced modeling of protein sequence and biophysical properties (such as structural, functional, and spatial information, amino acid conservation, physicochemical variation, residue mobility, and thermodynamic stability) has been performed at Invitae for this missense variant, however the output from this modeling did not meet the statistical confidence thresholds required to predict the impact of this variant on POLD1 protein function. In summary, the available evidence is currently insufficient to determine the role of this variant in disease. Therefore, it has been classified as a Variant of Uncertain Significance. This sequence change replaces valine, which is neutral and non-polar, with methionine, which is neutral and non-polar, at codon 752 of the POLD1 protein (p.Val752Met).